The following is an entry in ClinVar:

ClinVar aggregate classification (germline): Pathogenic (1 of 4 stars; one submission).

Submission:

Labcorp Genetics (formerly Invitae), Labcorp
Classification: Pathogenic. Last evaluated: 2021-11-08. Review status: criteria provided, single submitter. Criteria: Invitae Variant Classification Sherloc (09022015). Collection method: clinical testing. Allele origin: germline.
Comment: This variant results in the deletion of part of exon 1 of the LOXHD1 gene. It is expected to result in an absent or disrupted protein product. Loss-of-function variants in LOXHD1 are known to be pathogenic (PMID: 19732867, 21465660, 25792669). This variant is not present in population databases (gnomAD no frequency). This variant has not been reported in the literature in individuals affected with LOXHD1-related conditions. For these reasons, this variant has been classified as Pathogenic.

Literature cited by the submitters: PubMed 19732867; PubMed 21465660; PubMed 25792669.

NC_000018.10:g.46656909_46657366del

Gene: LOXHD1 (lipoxygenase homology PLAT domains 1; minus strand). Cytogenetic location: 18q21.1.
Variant type: Deletion.
Genome position: GRCh38: chr18:46,656,909-46,657,366. GRCh37 (hg19): chr18:44,236,872-44,237,329.
Identifiers: ClinVar variation 1356361 (VCV001356361.6), dbSNP rs2144417850, ClinGen allele CA2573155316.